The following is an entry in ClinVar:

ClinVar aggregate classification (germline): Uncertain significance (1 of 4 stars; one submission).

Conditions:
Agammaglobulinemia 4, autosomal recessive (AGM4). Also called: AGAMMAGLOBULINEMIA, AUTOSOMAL RECESSIVE, DUE TO BLNK DEFECT; B cell linker protein deficiency. Identifiers: MedGen C3150752, MONDO:0013289, OMIM 613502.

Allele frequency attached by ClinVar (database versions not stated): TOPMed below 0.00001; gnomAD 0.00001; gnomAD exomes 0.00001 and 0.00002.
gnomAD v4.1: 31 of 1,614,088 alleles (0.0019%); highest among the groups gnomAD compares: Admixed American, 0.0033%; no homozygotes.

Submission:

Labcorp Genetics (formerly Invitae), Labcorp
Classification: Uncertain significance for Agammaglobulinemia 4, autosomal recessive. Last evaluated: 2024-08-05. Review status: criteria provided, single submitter. Criteria: Invitae Variant Classification Sherloc (09022015). Collection method: clinical testing. Allele origin: germline.
Comment: This sequence change replaces serine, which is neutral and polar, with glycine, which is neutral and non-polar, at codon 229 of the BLNK protein (p.Ser229Gly). This variant is present in population databases (rs782305136, gnomAD 0.006%). This variant has not been reported in the literature in individuals affected with BLNK-related conditions. ClinVar contains an entry for this variant (Variation ID: 1412039). Advanced modeling of protein sequence and biophysical properties (such as structural, functional, and spatial information, amino acid conservation, physicochemical variation, residue mobility, and thermodynamic stability) performed at Invitae indicates that this missense variant is not expected to disrupt BLNK protein function with a negative predictive value of 80%. In summary, the available evidence is currently insufficient to determine the role of this variant in disease. Therefore, it has been classified as a Variant of Uncertain Significance.

NM_013314.4(BLNK):c.685A>G (p.Ser229Gly)

Gene: BLNK (B cell linker; minus strand). Cytogenetic location: 10q24.1.
Variant type: single nucleotide variant.
Coding change: c.685A>G on transcript NM_013314.4 (MANE Select); coding-DNA position 685, A replaced by G.
Protein change: p.Ser229Gly; replaces serine 229 with glycine.
Molecular consequence: missense variant. On other transcripts: non-coding transcript variant (3).
Genome position (GRCh38, 1-based): chr10:96,209,899, T>C on the plus strand (A>G on the coding strand, the complement: BLNK is on the minus strand). VCF-style: chr10-96209899-T-C. GRCh37 (hg19) VCF-style: chr10-97969655-T-C.
Other names: c.616A>G, p.Ser206Gly (NM_001114094.2, NM_001258441.2); c.685A>G, p.Ser229Gly (NM_001258440.2); c.370A>G, p.Ser124Gly (NM_001258442.2); short protein forms S124G, S229G, S206G.
Identifiers: ClinVar variation 1412039 (VCV001412039.5), dbSNP rs782305136, ClinGen allele CA212519308.